The following is an entry in ClinVar:

NM_007194.4(CHEK2):c.1022A>C (p.Asn341Thr)

Gene: CHEK2 (checkpoint kinase 2; minus strand). Cytogenetic location: 22q12.1.
Variant type: single nucleotide variant.
Coding change: c.1022A>C on transcript NM_007194.4 (MANE Select); coding-DNA position 1022, A replaced by C.
Protein change: p.Asn341Thr; replaces asparagine 341 with threonine.
Molecular consequence: missense variant. On other transcripts: intron variant (3).
Genome position (GRCh38, 1-based): chr22:28,696,974, T>G on the plus strand (A>C on the coding strand, the complement: CHEK2 is on the minus strand). VCF-style: chr22-28696974-T-G. GRCh37 (hg19) VCF-style: chr22-29092962-T-G.
Other names: c.1151A>C, p.Asn384Thr (NM_001005735.3); c.359A>C, p.Asn120Thr (NM_001257387.3, NM_001437942.1); c.821A>C, p.Asn274Thr (NM_001349956.3); c.1115A>C, p.Asn372Thr (NM_001438293.1); c.1009-1101A>C (NM_145862.3); c.1102-1101A>C (NM_001438295.1); c.1138-1101A>C (NM_001438294.1); short protein forms N341T, N120T, N274T, N384T, N372T.
Identifiers: ClinVar variation 410044 (VCV000410044.36), dbSNP rs773846607, ClinGen allele CA10167742.

ClinVar aggregate classification (germline): Uncertain significance. Review status: criteria provided, multiple submitters, no conflicts (2 of 4 stars). 10 submissions from 10 submitters: Uncertain significance (8). 2 of the submissions do not count toward it. Last evaluated 2026-01-18.

Conditions:
Hereditary cancer-predisposing syndrome. Also called: Tumor predisposition; Hereditary Cancer Syndrome; Hereditary neoplastic syndrome; Neoplastic Syndromes, Hereditary. Identifiers: Orphanet 140162, MedGen C0027672, MeSH D009386, MONDO:0015356.
Familial cancer of breast. Also called: BREAST CANCER, FAMILIAL; Hereditary breast cancer; hereditary breast carcinoma. Identifiers: Orphanet 227535, MedGen C0346153, MONDO:0016419, OMIM 114480. Disease mechanism: loss of function.

Allele frequency attached by ClinVar (database versions not stated): TOPMed 0.00003; ExAC 0.00002; gnomAD 0.00003.
gnomAD v4.1: 42 of 1,611,812 alleles (0.0026%); highest among the groups gnomAD compares: Non-Finnish European, 0.0031%; no homozygotes.

Submissions (10):

Labcorp Genetics (formerly Invitae), Labcorp
Classification: Uncertain significance for Familial cancer of breast. Last evaluated: 2026-01-18. Review status: criteria provided, single submitter. Criteria: Invitae Variant Classification Sherloc (09022015). Collection method: clinical testing. Allele origin: germline.
Comment: This sequence change replaces asparagine, which is neutral and polar, with threonine, which is neutral and polar, at codon 341 of the CHEK2 protein (p.Asn341Thr). This variant is present in population databases (rs773846607, gnomAD 0.008%). This missense change has been observed in individual(s) with CHEK2-related conditions (PMID: 36551643). ClinVar contains an entry for this variant (Variation ID: 410044). An algorithm developed to predict the effect of missense changes on protein structure and function (PolyPhen-2) suggests that this variant is likely to be disruptive. Experimental studies have shown that this missense change does not substantially affect CHEK2 function (PMID: 37449874). In summary, the available evidence is currently insufficient to determine the role of this variant in disease. Therefore, it has been classified as a Variant of Uncertain Significance.

Center for Genomic Medicine, Rigshospitalet, Copenhagen University Hospital
Classification: Uncertain significance. Last evaluated: 2025-12-29. Review status: criteria provided, single submitter. Criteria: ACMG Guidelines, 2015. Collection method: clinical testing. Allele origin: germline.

GeneDx
Classification: Uncertain significance. Last evaluated: 2025-02-20. Review status: criteria provided, single submitter. Criteria: GeneDx Variant Classification Process June 2021. Collection method: clinical testing. Allele origin: germline. Affected: yes.
Comment: Published functional studies demonstrate no damaging effect: KAP1 and CHK2 kinase activity comparable to wild-type (PMID: 37449874); Not observed at significant frequency in large population cohorts (gnomAD); In silico analysis supports that this missense variant has a deleterious effect on protein structure/function; Also known as NM_001005735.1 c.1151A>C, p.N384T; This variant is associated with the following publications: (PMID: 15095295, 32546565, 33471991, 28779002, 22419737, 19782031, 38153744, 37449874, 28843361, 36551643)

Ambry Genetics
Classification: Uncertain significance for Hereditary cancer-predisposing syndrome. Last evaluated: 2025-01-22. Review status: criteria provided, single submitter. Criteria: Ambry Variant Classification Scheme 2023. Collection method: clinical testing. Allele origin: germline.
Comment: The p.N341T variant (also known as c.1022A>C), located in coding exon 9 of the CHEK2 gene, results from an A to C substitution at nucleotide position 1022. The asparagine at codon 341 is replaced by threonine, an amino acid with similar properties. This alteration has also been reported in at least one subject in a study of 13087 breast cancer cases and 5488 control individuals in the UK (Decker B et al. J Med Genet, 2017 11;54:732-741). This alteration has been also identified in individuals diagnosed with breast and/or ovarian cancer (Song H et al. J Med Genet, 2021 May;58:305-313; Nurmi AK et al. Cancers (Basel), 2022 Dec;14:). This variant was reported as functional in a study assessing CHEK2-complementation through quantification of KAP1 phosphorylation and CHK2 autophosphorylation in human RPE1-CHEK2-knockout cells (Stolarova L et al. Clin Cancer Res, 2023 Aug;29:3037-3050). This amino acid position is highly conserved in available vertebrate species. In addition, the in silico prediction for this alteration is inconclusive. Based on the available evidence, the clinical significance of this variant remains unclear.

Quest Diagnostics Nichols Institute San Juan Capistrano
Classification: Uncertain significance. Last evaluated: 2024-03-26. Review status: criteria provided, single submitter. Criteria: Quest Diagnostics criteria. Collection method: clinical testing. Allele origin: unknown.
Comment: The CHEK2 c.1022A>C (p.Asn341Thr) variant has been reported in the published literature in individuals with breast cancer (PMID: 36551643 (2022)) and ovarian cancer (PMID: 32546565 (2021)). This variant has also been identified in a reportedly healthy individual (PMID: 15095295 (2004)). Assessment of experimental evidence regarding the effect of this variant on protein function suggests it has no effect relevant to disease (PMID: 37449874 (2023)). The frequency of this variant in the general population, 0.00008 (2/25064 chromosomes (Genome Aggregation Database)), is uninformative in the assessment of its pathogenicity. Analysis of this variant using bioinformatics tools for the prediction of the effect of amino acid changes on protein structure and function yielded conflicting predictions that this variant is benign or damaging. Based on the available information, we are unable to determine the clinical significance of this variant.

Baylor Genetics
Classification: Uncertain significance for Familial cancer of breast. Last evaluated: 2024-01-03. Review status: criteria provided, single submitter. Criteria: ACMG Guidelines, 2015. Collection method: clinical testing. Allele origin: unknown.

Color Diagnostics, LLC DBA Color Health
Classification: Uncertain significance for Hereditary cancer-predisposing syndrome. Last evaluated: 2022-05-11. Review status: criteria provided, single submitter. Criteria: ACMG Guidelines, 2015. Collection method: clinical testing. Allele origin: germline.
Comment: This missense variant replaces asparagine with threonine at codon 341 of the CHEK2 protein. This variant is also known as NM_001005735.1:c.1151A>C (p.Asn384Thr) in the literature. Computational prediction suggests that this variant may not impact protein structure and function (internally defined REVEL score threshold <= 0.5, PMID: 27666373). To our knowledge, functional studies have not been reported for this variant. This variant has been reported in one individual each affected with ovarian and lung cancer (PMID: 28843361, 32546565) and also in an unaffected control from a breast/ovarian cancer case-control study (PMID: 15095295). This variant has been identified in 6/282562 chromosomes in the general population by the Genome Aggregation Database (gnomAD). The available evidence is insufficient to determine the role of this variant in disease conclusively. Therefore, this variant is classified as a Variant of Uncertain Significance.

Sema4
Classification: Uncertain significance for Hereditary cancer-predisposing syndrome. Last evaluated: 2021-11-12. Review status: criteria provided, single submitter. Criteria: Sema4 Curation Guidelines. Collection method: curation. Allele origin: germline.
Comment: The CHEK2 c.1022A>C (p.N341T) variant has been reported in heterozygosity in at least two individuals, one with ovarian cancer and the other with lung adenocarcinoma (PMID: 32546565, 28843361). It has also been identified in 13/60466 breast cancer cases and 6/53461 healthy controls in a breast cancer case-control studies (PMID: 33471991). It is also known as p.N384T in the literature. This variant was observed in 6/282562 chromosomes across all populations in the Genome Aggregation Database (PMID: 32461654), and has been reported in ClinVar (Variation ID: 410044). Functional studies have not been performed, and in silico predictions of the variant's effect on protein function are inconclusive. Based on the current evidence available, this variant is interpreted as a variant of uncertain significance.

Clinical Genetics DNA and cytogenetics Diagnostics Lab, Erasmus MC, Erasmus Medical Center
Classification: Uncertain significance. Review status: no assertion criteria provided. Collection method: clinical testing. Allele origin: germline. Affected: yes. Study: VKGL Data-share Consensus. Not counted in ClinVar's aggregate classification.

Diagnostic Laboratory, Department of Genetics, University Medical Center Groningen
Classification: Uncertain significance. Review status: no assertion criteria provided. Collection method: clinical testing. Allele origin: germline. Affected: yes. Study: VKGL Data-share Consensus. Not counted in ClinVar's aggregate classification.

Literature cited by the submitters: PubMed 36551643 (cited by 3 submitters); PubMed 37449874 (cited by 3 submitters); PubMed 15095295 (cited by 3 submitters); PubMed 28779002 (cited by Ambry Genetics and Quest Diagnostics Nichols Institute San Juan Capistrano); PubMed 32546565 (cited by 4 submitters); PubMed 36179682 (cited by Quest Diagnostics Nichols Institute San Juan Capistrano); PubMed 38153744 (cited by Quest Diagnostics Nichols Institute San Juan Capistrano); PubMed 28843361 (cited by Color Diagnostics, LLC DBA Color Health and Sema4); PubMed 33471991 (cited by Sema4).